The following is an entry in ClinVar:

NM_198576.4(AGRN):c.2501G>A (p.Arg834Gln)

Gene: AGRN (agrin; plus strand). Cytogenetic location: 1p36.33.
Variant type: single nucleotide variant.
Coding change: c.2501G>A on transcript NM_198576.4 (MANE Select); coding-DNA position 2501, G replaced by A.
Protein change: p.Arg834Gln; replaces arginine 834 with glutamine.
Molecular consequence: missense variant.
Genome position (GRCh38, 1-based): chr1:1,045,488, G>A. VCF-style: chr1-1045488-G-A. GRCh37 (hg19) VCF-style: chr1-980868-G-A.
Other names: c.2501G>A, p.Arg834Gln (NM_001305275.2); c.2186G>A, p.Arg729Gln (NM_001364727.2); short protein forms R834Q, R729Q.
Identifiers: ClinVar variation 387869 (VCV000387869.18), dbSNP rs146243145, ClinGen allele CA508651.

ClinVar aggregate classification (germline): Conflicting classifications of pathogenicity. Review status: criteria provided, conflicting classifications (1 of 4 stars). 3 submissions from 3 submitters: Uncertain significance (1); Likely benign (1). 1 of the submissions does not count toward it. Last evaluated 2026-01-11.

Conditions:
AGRN-related disorder. Also called: AGRN-related condition.
Congenital myasthenic syndrome 8. Also called: Myasthenic syndrome, congenital, 8, with pre- and postsynaptic defects; MYASTHENIC SYNDROME, CONGENITAL, DUE TO AGRIN DEFICIENCY. Identifiers: Orphanet 590, MedGen C3808739, MONDO:0014052, OMIM 615120.

Allele frequency attached by ClinVar (database versions not stated): gnomAD 0.00094 and 0.00097; TOPMed 0.00095; ESP Exome Variant Server 0.00100; gnomAD exomes 0.00116; ExAC 0.00131; 1000 Genomes Project 0.00040; 1000 Genomes Project 30x 0.00078.
gnomAD v4.1: 2,129 of 1,612,966 alleles (0.13%); highest among the groups gnomAD compares: Non-Finnish European, 0.16%; 3 homozygotes.

Submissions (3):

Labcorp Genetics (formerly Invitae), Labcorp
Classification: Likely benign for Congenital myasthenic syndrome 8. Last evaluated: 2026-01-11. Review status: criteria provided, single submitter. Criteria: Invitae Variant Classification Sherloc (09022015). Collection method: clinical testing. Allele origin: germline.

GeneDx
Classification: Uncertain significance. Last evaluated: 2025-03-28. Review status: criteria provided, single submitter. Criteria: GeneDx Variant Classification Process June 2021. Collection method: clinical testing. Allele origin: germline. Affected: yes.
Comment: Reported in a patient with congenital myasthenic syndrome in the published literature who also had a variant in another gene that may have been responsible for the phenotype (PMID: 27397848); In silico analysis supports that this missense variant has a deleterious effect on protein structure/function; This variant is associated with the following publications: (PMID: 27397848)

PreventionGenetics, part of Exact Sciences
Classification: Likely benign for AGRN-related condition. Last evaluated: 2023-09-06. Review status: no assertion criteria provided. Collection method: clinical testing. Allele origin: germline. Not counted in ClinVar's aggregate classification.
Comment: This variant is classified as likely benign based on ACMG/AMP sequence variant interpretation guidelines (Richards et al. 2015 PMID: 25741868, with internal and published modifications).